The following is an entry in ClinVar:

NM_001040142.2(SCN2A):c.5662C>A (p.Pro1888Thr)

Gene: SCN2A (sodium voltage-gated channel alpha subunit 2; plus strand). Cytogenetic location: 2q24.3.
Variant type: single nucleotide variant.
Coding change: c.5662C>A on transcript NM_001040142.2 (MANE Select); coding-DNA position 5662, C replaced by A.
Protein change: p.Pro1888Thr; replaces proline 1888 with threonine.
Molecular consequence: missense variant.
Genome position (GRCh38, 1-based): chr2:165,389,468, C>A. VCF-style: chr2-165389468-C-A. GRCh37 (hg19) VCF-style: chr2-166245978-C-A.
Other names: c.5662C>A, p.Pro1888Thr (NM_001040143.2, NM_001371246.1, NM_001371247.1 and 1 more transcripts); short protein forms P1888T.
Identifiers: ClinVar variation 464917 (VCV000464917.9), dbSNP rs1553463814, ClinGen allele CA349039708.
Genomic context (GRCh38, chr2:165,389,468, plus strand): 5'-GAGAGTGGAGAGATGGATGCCCTTCGAATACAGATGGAAGAGCGATTCATGGCATCAAAC[C>A]CCTCCAAAGTCTCTTATGAGCCCATTACGACCACGTTGAAACGCAAACAAGAGGAGGTGT-3'
Protein context (NP_001035232.1, residues 1878-1898): QMEERFMASN[Pro1888Thr]SKVSYEPITT

ClinVar aggregate classification (germline): Uncertain significance (1 of 4 stars; one submission).

Conditions:
Developmental and epileptic encephalopathy, 11 (DEE11). Also called: Early infantile epileptic encephalopathy 11. Identifiers: Orphanet 1934, MedGen C3150987, MONDO:0013388, OMIM 613721.
Seizures, benign familial infantile, 3 (BFIS3). Also called: CONVULSIONS, BENIGN FAMILIAL INFANTILE, 3; Familial neonatal seizures. Identifiers: Orphanet 140927, Orphanet 306, MedGen C1843140, MONDO:0011904, OMIM 607745.

Submission:

Labcorp Genetics (formerly Invitae), Labcorp
Classification: Uncertain significance for Seizures, benign familial infantile, 3; Developmental and epileptic encephalopathy, 11. Last evaluated: 2020-03-06. Review status: criteria provided, single submitter. Criteria: Invitae Variant Classification Sherloc (09022015). Collection method: clinical testing. Allele origin: germline.
Comment: This sequence change replaces proline with threonine at codon 1888 of the SCN2A protein (p.Pro1888Thr). The proline residue is highly conserved and there is a small physicochemical difference between proline and threonine. In summary, this variant has uncertain impact on SCN2A function. The available evidence is currently insufficient to determine its role in disease. Therefore, it has been classified as a Variant of Uncertain Significance. Algorithms developed to predict the effect of missense changes on protein structure and function (SIFT, PolyPhen-2, Align-GVGD) all suggest that this variant is likely to be disruptive, but these predictions have not been confirmed by published functional studies and their clinical significance is uncertain. This variant has not been reported in the literature in individuals with a SCN2A-related disease. This variant is not present in population databases (ExAC no frequency).